The following is an entry in ClinVar:

ClinVar aggregate classification (germline): Uncertain significance. Review status: criteria provided, multiple submitters, no conflicts (2 of 4 stars). 2 submissions from 2 submitters: Uncertain significance (2). Last evaluated 2024-11-17.

Conditions:
Autosomal recessive limb-girdle muscular dystrophy type 2A (LGMDR1). Also called: MUSCULAR DYSTROPHY, PELVOFEMORAL; Limb-girdle muscular dystrophy, type 2A; Muscular dystrophy, limb-girdle, type 2A, Amish; Calpainopathy; LEYDEN-MOEBIUS MUSCULAR DYSTROPHY. Identifiers: Orphanet 267, MedGen C1869123, MONDO:0009675, OMIM 253600. Disease mechanism: loss of function.

Submissions (2):

Labcorp Genetics (formerly Invitae), Labcorp
Classification: Uncertain significance for Autosomal recessive limb-girdle muscular dystrophy type 2A. Last evaluated: 2024-11-17. Review status: criteria provided, single submitter. Criteria: Invitae Variant Classification Sherloc (09022015). Collection method: clinical testing. Allele origin: germline.
Comment: This sequence change replaces valine, which is neutral and non-polar, with alanine, which is neutral and non-polar, at codon 681 of the CAPN3 protein (p.Val681Ala). This variant is not present in population databases (gnomAD no frequency). This variant has not been reported in the literature in individuals affected with CAPN3-related conditions. ClinVar contains an entry for this variant (Variation ID: 1401459). Invitae Evidence Modeling of protein sequence and biophysical properties (such as structural, functional, and spatial information, amino acid conservation, physicochemical variation, residue mobility, and thermodynamic stability) indicates that this missense variant is not expected to disrupt CAPN3 protein function with a negative predictive value of 80%. In summary, the available evidence is currently insufficient to determine the role of this variant in disease. Therefore, it has been classified as a Variant of Uncertain Significance.

Revvity Omics, Revvity
Classification: Uncertain significance. Last evaluated: 2022-07-26. Review status: criteria provided, single submitter. Criteria: ACMG Guidelines, 2015. Collection method: clinical testing. Allele origin: germline.

NM_000070.3(CAPN3):c.2042T>C (p.Val681Ala)

Gene: CAPN3 (calpain 3; plus strand). Cytogenetic location: 15q15.1.
Variant type: single nucleotide variant.
Coding change: c.2042T>C on transcript NM_000070.3 (MANE Select); coding-DNA position 2042, T replaced by C.
Protein change: p.Val681Ala; replaces valine 681 with alanine.
Molecular consequence: missense variant.
Genome position (GRCh38, 1-based): chr15:42,409,836, T>C. VCF-style: chr15-42409836-T-C. GRCh37 (hg19) VCF-style: chr15-42702034-T-C.
Other names: c.2024T>C, p.Val675Ala (NM_024344.2); c.1766T>C, p.Val589Ala (NM_173087.2); c.506T>C, p.Val169Ala (NM_173088.2); c.47T>C, p.Val16Ala (NM_173089.2, NM_173090.2); short protein forms V675A, V681A, V16A, V589A, V169A.
Identifiers: ClinVar variation 1401459 (VCV001401459.10), dbSNP rs750373128, ClinGen allele CA392001426.